The following is an entry in ClinVar:

NM_022437.3(ABCG8):c.512C>A (p.Ala171Asp)

Gene: ABCG8 (ATP binding cassette subfamily G member 8; plus strand). Cytogenetic location: 2p21.
Variant type: single nucleotide variant.
Coding change: c.512C>A on transcript NM_022437.3 (MANE Select); coding-DNA position 512, C replaced by A.
Protein change: p.Ala171Asp; replaces alanine 171 with aspartic acid.
Molecular consequence: missense variant.
Genome position (GRCh38, 1-based): chr2:43,851,773, C>A. VCF-style: chr2-43851773-C-A. GRCh37 (hg19) VCF-style: chr2-44078912-C-A.
Other names: p.Ala171Asp; c.512C>A, p.Ala171Asp (NM_001357321.2); short protein forms A171D.
Identifiers: ClinVar variation 2682736 (VCV002682736.3), dbSNP rs777947491, ClinGen allele CA1637037.

ClinVar aggregate classification (germline): Uncertain significance. Review status: criteria provided, multiple submitters, no conflicts (2 of 4 stars). 3 submissions from 3 submitters: Uncertain significance (3). Last evaluated 2025-08-29.

Allele frequency attached by ClinVar (database versions not stated): gnomAD exomes 0.00001; TOPMed 0.00001; ExAC 0.00002.
gnomAD v4.1: 17 of 1,614,252 alleles (0.0011%); highest among the groups gnomAD compares: Non-Finnish European, 0.0014%; no homozygotes.

Submissions (3):

Labcorp Genetics (formerly Invitae), Labcorp
Classification: Uncertain significance. Last evaluated: 2025-08-29. Review status: criteria provided, single submitter. Criteria: Invitae Variant Classification Sherloc (09022015). Collection method: clinical testing. Allele origin: germline.
Comment: This sequence change replaces alanine, which is neutral and non-polar, with aspartic acid, which is acidic and polar, at codon 171 of the ABCG8 protein (p.Ala171Asp). This variant is present in population databases (rs777947491, gnomAD 0.005%). This variant has not been reported in the literature in individuals affected with ABCG8-related conditions. ClinVar contains an entry for this variant (Variation ID: 2682736). Invitae Evidence Modeling of protein sequence and biophysical properties (such as structural, functional, and spatial information, amino acid conservation, physicochemical variation, residue mobility, and thermodynamic stability) indicates that this missense variant is expected to disrupt ABCG8 protein function with a positive predictive value of 80%. In summary, the available evidence is currently insufficient to determine the role of this variant in disease. Therefore, it has been classified as a Variant of Uncertain Significance.

Mayo Clinic Laboratories, Mayo Clinic
Classification: Uncertain significance. Last evaluated: 2022-04-06. Review status: criteria provided, single submitter. Criteria: ACMG Guidelines, 2015. Collection method: clinical testing. Allele origin: germline. Observed: 1 variant allele.

Blueprint Genetics
Classification: Uncertain significance. Last evaluated: 2021-02-02. Review status: criteria provided, single submitter. Criteria: ACMG Guidelines, 2015. Collection method: clinical testing. Allele origin: germline.